The following is an entry in ClinVar:

ClinVar aggregate classification (germline): Conflicting classifications of pathogenicity. Review status: criteria provided, conflicting classifications (1 of 4 stars). 3 submissions from 3 submitters: Uncertain significance (2); Likely benign (1). Last evaluated 2025-07-21.

Allele frequency attached by ClinVar (database versions not stated): gnomAD exomes 0.00001 and 0.00004; gnomAD 0.00002 and 0.00003; TOPMed 0.00002; ExAC 0.00004.
gnomAD v4.1: 25 of 1,613,554 alleles (0.0015%); highest among the groups gnomAD compares: African/African-American, 0.0067%; no homozygotes.

Submissions (3):

Labcorp Genetics (formerly Invitae), Labcorp
Classification: Uncertain significance. Last evaluated: 2025-07-21. Review status: criteria provided, single submitter. Criteria: Invitae Variant Classification Sherloc (09022015). Collection method: clinical testing. Allele origin: germline.
Comment: This sequence change replaces arginine, which is basic and polar, with tryptophan, which is neutral and slightly polar, at codon 668 of the RNF43 protein (p.Arg668Trp). This variant is present in population databases (rs746854614, gnomAD 0.03%). This missense change has been observed in individual(s) with pancreatic neuroendocrine tumor and/or pancreatitis (PMID: 35171259). ClinVar contains an entry for this variant (Variation ID: 1399720). An algorithm developed to predict the effect of missense changes on protein structure and function (PolyPhen-2) suggests that this variant is likely to be disruptive. In summary, the available evidence is currently insufficient to determine the role of this variant in disease. Therefore, it has been classified as a Variant of Uncertain Significance.

Ambry Genetics
Classification: Likely benign. Last evaluated: 2024-07-30. Review status: criteria provided, single submitter. Criteria: Ambry Variant Classification Scheme 2023. Collection method: clinical testing. Allele origin: germline.

GeneDx
Classification: Uncertain significance. Last evaluated: 2024-02-01. Review status: criteria provided, single submitter. Criteria: GeneDx Variant Classification Process June 2021. Collection method: clinical testing. Allele origin: germline. Affected: yes.
Comment: Observed in individuals with pancreatic neuroendocrine tumors (PMID: 35171259); In silico analysis supports that this missense variant does not alter protein structure/function; Variants in candidate genes are classified as variants of uncertain significance in accordance with ACMG guidelines (PMID: 25741868); This variant is associated with the following publications: (PMID: 35171259)

Literature cited by the submitters: PubMed 35171259 (cited by Labcorp Genetics (formerly Invitae), Labcorp).

NM_017763.6(RNF43):c.2002C>T (p.Arg668Trp)

Gene: RNF43 (ring finger protein 43; minus strand). Cytogenetic location: 17q22.
Variant type: single nucleotide variant.
Coding change: c.2002C>T on transcript NM_017763.6 (MANE Select); coding-DNA position 2002, C replaced by T.
Protein change: p.Arg668Trp; replaces arginine 668 with tryptophan.
Molecular consequence: missense variant.
Genome position (GRCh38, 1-based): chr17:58,357,774, G>A on the plus strand (C>T on the coding strand, the complement: RNF43 is on the minus strand). VCF-style: chr17-58357774-G-A. GRCh37 (hg19) VCF-style: chr17-56435135-G-A.
Other names: c.2002C>T, p.Arg668Trp (NM_001305544.3); c.1621C>T, p.Arg541Trp (NM_001305545.2); short protein forms R668W, R541W.
Identifiers: ClinVar variation 1399720 (VCV001399720.10), dbSNP rs746854614, ClinGen allele CA8673076.